The following is an entry in ClinVar:

NM_006445.4(PRPF8):c.3013A>G (p.Ile1005Val)

Gene: PRPF8 (pre-mRNA processing factor 8; minus strand). Cytogenetic location: 17p13.3.
Variant type: single nucleotide variant.
Coding change: c.3013A>G on transcript NM_006445.4 (MANE Select); coding-DNA position 3013, A replaced by G.
Protein change: p.Ile1005Val; replaces isoleucine 1005 with valine.
Molecular consequence: missense variant.
Genome position (GRCh38, 1-based): chr17:1,675,199, T>C on the plus strand (A>G on the coding strand, the complement: PRPF8 is on the minus strand). VCF-style: chr17-1675199-T-C. GRCh37 (hg19) VCF-style: chr17-1578493-T-C.
Other names: short protein forms I1005V.
Identifiers: ClinVar variation 3618703 (VCV003618703.2).

ClinVar aggregate classification (germline): Uncertain significance (1 of 4 stars; one submission).

gnomAD v4.1: 1 of 1,614,170 alleles (0.000062%); highest among the groups gnomAD compares: Non-Finnish European, 0.000085%; no homozygotes.

Submission:

Labcorp Genetics (formerly Invitae), Labcorp
Classification: Uncertain significance. Last evaluated: 2024-08-20. Review status: criteria provided, single submitter. Criteria: Invitae Variant Classification Sherloc (09022015). Collection method: clinical testing. Allele origin: germline.
Comment: This sequence change replaces isoleucine, which is neutral and non-polar, with valine, which is neutral and non-polar, at codon 1005 of the PRPF8 protein (p.Ile1005Val). This variant is not present in population databases (gnomAD no frequency). This variant has not been reported in the literature in individuals affected with PRPF8-related conditions. Invitae Evidence Modeling of protein sequence and biophysical properties (such as structural, functional, and spatial information, amino acid conservation, physicochemical variation, residue mobility, and thermodynamic stability) indicates that this missense variant is not expected to disrupt PRPF8 protein function with a negative predictive value of 80%. In summary, the available evidence is currently insufficient to determine the role of this variant in disease. Therefore, it has been classified as a Variant of Uncertain Significance.